The following is an entry in ClinVar:

ClinVar aggregate classification (germline): Likely benign (1 of 4 stars; one submission).

gnomAD v4.1: 8,385 of 1,614,182 alleles (0.52%); highest among the groups gnomAD compares: Non-Finnish European, 0.63%; 17 homozygotes.

Submission:

CeGaT Center for Human Genetics Tuebingen
Classification: Likely benign. Last evaluated: 2025-10-01. Review status: criteria provided, single submitter. Criteria: CeGaT Center For Human Genetics Tuebingen Variant Classification Criteria Version 2. Collection method: clinical testing. Allele origin: germline. Affected: yes. Observed: 1 variant allele.
Comment: NID2: BP4, BS2

NM_007361.4(NID2):c.1700C>T (p.Thr567Met)

Gene: NID2 (nidogen 2; minus strand). Cytogenetic location: 14q22.1.
Variant type: single nucleotide variant.
Coding change: c.1700C>T on transcript NM_007361.4 (MANE Select); coding-DNA position 1700, C replaced by T.
Protein change: p.Thr567Met; replaces threonine 567 with methionine.
Molecular consequence: missense variant.
Genome position (GRCh38, 1-based): chr14:52,042,230, G>A on the plus strand (C>T on the coding strand, the complement: NID2 is on the minus strand). VCF-style: chr14-52042230-G-A. GRCh37 (hg19) VCF-style: chr14-52508948-G-A.
Other names: short protein forms T567M.
Identifiers: ClinVar variation 4535469 (VCV004535469.6).
Genomic context (GRCh38, chr14:52,042,230, plus strand): 5'-CCAATTGGTGTGAGGGGGAGGAGGGCCTGGGCTGCTGGCTGTGGGATGTGGCTGATGGCC[G>A]TGTAGGCTCTGCCATCATTGCCCACGATATACGCATGCAGGTCCACATCAGTGAAGTGCA-3'
Protein context (NP_031387.3, residues 557-577): YIVGNDGRAY[Thr567Met]AISHIPQPAA